The following is an entry in ClinVar:

NM_020964.3(EPG5):c.6166C>T (p.Arg2056Trp)

Gene: EPG5 (ectopic P-granules 5 autophagy tethering factor; minus strand). Cytogenetic location: 18q12.3.
Variant type: single nucleotide variant.
Coding change: c.6166C>T on transcript NM_020964.3 (MANE Select); coding-DNA position 6166, C replaced by T.
Protein change: p.Arg2056Trp; replaces arginine 2056 with tryptophan.
Molecular consequence: missense variant.
Genome position (GRCh38, 1-based): chr18:45,870,626, G>A on the plus strand (C>T on the coding strand, the complement: EPG5 is on the minus strand). VCF-style: chr18-45870626-G-A. GRCh37 (hg19) VCF-style: chr18-43450591-G-A.
Other names: c.6166C>T, p.Arg2056Trp (LRG_1234t1); short protein forms R2056W.
Identifiers: ClinVar variation 392189 (VCV000392189.30), dbSNP rs116076204, ClinGen allele CA8948356.

ClinVar aggregate classification (germline): Conflicting classifications of pathogenicity. Review status: criteria provided, conflicting classifications (1 of 4 stars). 8 submissions from 8 submitters: Uncertain significance (1); Likely benign (6). 1 of the submissions does not count toward it. Last evaluated 2026-01-26.

Conditions:
EPG5-related disorder. Also called: EPG5-related condition. Identifiers: MedGen CN381528.
Inborn genetic diseases. Identifiers: MedGen C0950123, MeSH D030342.
Vici syndrome (VICIS). Identifiers: Orphanet 1493, MedGen C1855772, MONDO:0009452, OMIM 242840.

Allele frequency attached by ClinVar (database versions not stated): 1000 Genomes Project 0.00220; 1000 Genomes Project 30x 0.00234; TOPMed 0.00268; ESP Exome Variant Server 0.00373.
gnomAD v4.1: 748 of 1,613,930 alleles (0.046%); highest among the groups gnomAD compares: African/African-American, 0.8%; 3 homozygotes.

Submissions (8):

Labcorp Genetics (formerly Invitae), Labcorp
Classification: Likely benign for Vici syndrome. Last evaluated: 2026-01-26. Review status: criteria provided, single submitter. Criteria: Invitae Variant Classification Sherloc (09022015). Collection method: clinical testing. Allele origin: germline.

Women's Health and Genetics/Laboratory Corporation of America, LabCorp
Classification: Likely benign. Last evaluated: 2025-05-20. Review status: criteria provided, single submitter. Criteria: LabCorp Variant Classification Summary - May 2015. Collection method: clinical testing. Allele origin: germline.
Comment: Variant summary: EPG5 c.6166C>T (p.Arg2056Trp) results in a non-conservative amino acid change in the encoded protein sequence. Algorithms developed to predict the effect of missense changes on protein structure and function are either unavailable or do not agree on the potential impact of this missense change. The variant allele was found at a frequency of 0.00071 in 249488 control chromosomes, predominantly at a frequency of 0.009 within the African or African-American subpopulation in the gnomAD database, including 1 homozygotes. The observed variant frequency within African or African-American control individuals in the gnomAD database exceeds the estimated maximal expected allele frequency for a pathogenic variant in EPG5 causing Vici Syndrome phenotype. To our knowledge, no occurrence of c.6166C>T in individuals affected with Vici Syndrome and no experimental evidence demonstrating its impact on protein function have been reported. ClinVar contains an entry for this variant (Variation ID: 392189). Based on the evidence outlined above, the variant was classified as likely benign.

CeGaT Center for Human Genetics Tuebingen
Classification: Likely benign. Last evaluated: 2025-03-01. Review status: criteria provided, single submitter. Criteria: CeGaT Center For Human Genetics Tuebingen Variant Classification Criteria Version 2. Collection method: clinical testing. Allele origin: germline. Affected: yes. Observed: 1 variant allele.
Comment: EPG5: BP4

Blueprint Genetics
Classification: Likely benign. Last evaluated: 2024-11-07. Review status: criteria provided, single submitter. Criteria: ACMG Guidelines, 2015. Collection method: clinical testing. Allele origin: germline.

Ambry Genetics
Classification: Likely benign for Inborn genetic diseases. Last evaluated: 2021-07-09. Review status: criteria provided, single submitter. Criteria: Ambry Variant Classification Scheme 2023. Collection method: clinical testing. Allele origin: germline.

Center for Genomics, Ann and Robert H. Lurie Children's Hospital of Chicago
Classification: Uncertain significance for Vici syndrome. Last evaluated: 2021-03-30. Review status: criteria provided, single submitter. Criteria: ACMG Guidelines, 2015. Collection method: clinical testing. Allele origin: germline.
Comment: EPG5 NM_020964.2 exon 36 p.Arg2056Trp (c.6166C>T): This variant has not been reported in the literature but is present in 0.8% (202/24192) of African alleles, including 1 homozygote in the Genome Aggregation Database. This variant is present in ClinVar (Variation ID:392189). Evolutionary conservation suggests that this variant may not impact the protein; computational predictive tools are unclear. In summary, data on this variant is insufficient for disease classification. Therefore, the clinical significance of this variant is uncertain.

GeneDx
Classification: Likely benign. Last evaluated: 2019-04-01. Review status: criteria provided, single submitter. Criteria: GeneDx Variant Classification Process June 2021. Collection method: clinical testing. Allele origin: germline. Affected: yes.

PreventionGenetics, part of Exact Sciences
Classification: Benign for EPG5-related condition. Last evaluated: 2019-07-31. Review status: no assertion criteria provided. Collection method: clinical testing. Allele origin: germline. Not counted in ClinVar's aggregate classification.
Comment: This variant is classified as benign based on ACMG/AMP sequence variant interpretation guidelines (Richards et al. 2015 PMID: 25741868, with internal and published modifications).